The following is an entry in ClinVar:

ClinVar aggregate classification (germline): Uncertain significance (1 of 4 stars; one submission).

Allele frequency attached by ClinVar (database versions not stated): gnomAD exomes 0.00001; ExAC 0.00002.

Submission:

Labcorp Genetics (formerly Invitae), Labcorp
Classification: Uncertain significance. Last evaluated: 2022-10-13. Review status: criteria provided, single submitter. Criteria: Invitae Variant Classification Sherloc (09022015). Collection method: clinical testing. Allele origin: germline.
Comment: ClinVar contains an entry for this variant (Variation ID: 1490998). Advanced modeling of protein sequence and biophysical properties (such as structural, functional, and spatial information, amino acid conservation, physicochemical variation, residue mobility, and thermodynamic stability) performed at Invitae indicates that this missense variant is expected to disrupt LAMA1 protein function. In summary, the available evidence is currently insufficient to determine the role of this variant in disease. Therefore, it has been classified as a Variant of Uncertain Significance. This sequence change replaces glycine, which is neutral and non-polar, with arginine, which is basic and polar, at codon 1096 of the LAMA1 protein (p.Gly1096Arg). This variant is present in population databases (rs771234772, gnomAD 0.002%). This variant has not been reported in the literature in individuals affected with LAMA1-related conditions.

NM_005559.4(LAMA1):c.3286G>A (p.Gly1096Arg)

Gene: LAMA1 (laminin subunit alpha 1; minus strand). Cytogenetic location: 18p11.31.
Variant type: single nucleotide variant.
Coding change: c.3286G>A on transcript NM_005559.4 (MANE Select); coding-DNA position 3286, G replaced by A.
Protein change: p.Gly1096Arg; replaces glycine 1096 with arginine.
Molecular consequence: missense variant.
Genome position (GRCh38, 1-based): chr18:7,013,892, C>T on the plus strand (G>A on the coding strand, the complement: LAMA1 is on the minus strand). VCF-style: chr18-7013892-C-T. GRCh37 (hg19) VCF-style: chr18-7013891-C-T.
Other names: short protein forms G1096R.
Identifiers: ClinVar variation 1490998 (VCV001490998.8), dbSNP rs771234772, ClinGen allele CA8882342.
Genomic context (GRCh38, chr18:7,013,892, plus strand): 5'-CGGTTTCCTCCACACAGCCGCAGAGACCCTGCTCCAGGTTGCAGGCGTCCCCCGACGTCC[C>T]CCTCAGGTCACAGTCACAGGGAACACAGTCGGGAAAGTCTCTGTAACCCAAGGAACACTG-3'
Protein context (NP_005550.2, residues 1086-1106): DCVPCDCDLR[Gly1096Arg]TSGDACNLEQ